The following is an entry in ClinVar:

NM_021975.4(RELA):c.619C>G (p.Leu207Val)

Gene: RELA (RELA proto-oncogene, NF-kB subunit; minus strand). Cytogenetic location: 11q13.1.
Variant type: single nucleotide variant.
Coding change: c.619C>G on transcript NM_021975.4 (MANE Select); coding-DNA position 619, C replaced by G.
Protein change: p.Leu207Val; replaces leucine 207 with valine.
Molecular consequence: missense variant.
Genome position (GRCh38, 1-based): chr11:65,658,763, G>C on the plus strand (C>G on the coding strand, the complement: RELA is on the minus strand). VCF-style: chr11-65658763-G-C. GRCh37 (hg19) VCF-style: chr11-65426234-G-C.
Other names: c.619C>G (NM_021975.3); c.610C>G, p.Leu204Val (NM_001145138.2); c.619C>G, p.Leu207Val (NM_001243984.2, NM_001243985.2); short protein forms L204V, L207V.
Identifiers: ClinVar variation 1403346 (VCV001403346.8), dbSNP rs1194237734, ClinGen allele CA381391748.

ClinVar aggregate classification (germline): Uncertain significance. Review status: criteria provided, multiple submitters, no conflicts (2 of 4 stars). 2 submissions from 2 submitters: Uncertain significance (2). Last evaluated 2025-02-21.

Allele frequency attached by ClinVar (database versions not stated): gnomAD exomes below 0.00001; gnomAD 0.00001.
gnomAD v4.1: 19 of 1,614,026 alleles (0.0012%); highest among the groups gnomAD compares: Non-Finnish European, 0.0016%; no homozygotes.

Submissions (2):

Ambry Genetics
Classification: Uncertain significance. Last evaluated: 2025-02-21. Review status: criteria provided, single submitter. Criteria: Ambry Variant Classification Scheme 2023. Collection method: clinical testing. Allele origin: germline.

Labcorp Genetics (formerly Invitae), Labcorp
Classification: Uncertain significance. Last evaluated: 2021-10-28. Review status: criteria provided, single submitter. Criteria: Invitae Variant Classification Sherloc (09022015). Collection method: clinical testing. Allele origin: germline.
Comment: In summary, the available evidence is currently insufficient to determine the role of this variant in disease. Therefore, it has been classified as a Variant of Uncertain Significance. Algorithms developed to predict the effect of missense changes on protein structure and function (SIFT, PolyPhen-2, Align-GVGD) all suggest that this variant is likely to be tolerated. This variant has not been reported in the literature in individuals affected with RELA-related conditions. This variant is present in population databases (no rsID available, gnomAD 0.0009%). This sequence change replaces leucine, which is neutral and non-polar, with valine, which is neutral and non-polar, at codon 207 of the RELA protein (p.Leu207Val).